The following is an entry in ClinVar:

ClinVar aggregate classification (germline): Pathogenic (1 of 4 stars; one submission).

Conditions:
Ataxia-telangiectasia syndrome (AT). Also called: Ataxia-telangiectasia, complementation group D; AT, COMPLEMENTATION GROUP C; Ataxia-telangiectasia, complementation group E; Cerebello-oculocutaneous telangiectasia; Immunodeficiency with ataxia telangiectasia; ATAXIA-TELANGIECTASIA, COMPLEMENTATION GROUP A. Identifiers: Orphanet 100, MedGen C0004135, MONDO:0008840, OMIM 208900.

Submission:

Labcorp Genetics (formerly Invitae), Labcorp
Classification: Pathogenic for Ataxia-telangiectasia syndrome. Last evaluated: 2021-03-29. Review status: criteria provided, single submitter. Criteria: Invitae Variant Classification Sherloc (09022015). Collection method: clinical testing. Allele origin: germline.
Comment: This variant is not present in population databases (ExAC no frequency). This sequence change creates a premature translational stop signal (p.Tyr316Serfs*5) in the ATM gene. It is expected to result in an absent or disrupted protein product. Loss-of-function variants in ATM are known to be pathogenic (PMID: 23807571, 25614872). This variant has not been reported in the literature in individuals with ATM-related conditions. ClinVar contains an entry for this variant (Variation ID: 583404). For these reasons, this variant has been classified as Pathogenic.

Literature cited by the submitters: PubMed 23807571; PubMed 25614872.

NM_000051.4(ATM):c.947_951del (p.Tyr316fs)

Gene: ATM (ATM serine/threonine kinase; plus strand). Cytogenetic location: 11q22.3.
Variant type: Deletion.
Coding change: c.947_951del on transcript NM_000051.4 (MANE Select); coding-DNA positions 947 to 951, 5 bases deleted (ATGAT; older notation c.947_951delATGAT).
Protein change: p.Tyr316fs; shifts the reading frame from tyrosine 316.
Molecular consequence: frameshift variant.
Genome position (GRCh38, 1-based): chr11:108,247,009-108,247,013, ATGAT deleted; deleting any 5 consecutive bases within chr11:108,247,007-108,247,013 gives the same sequence; the c. name uses the placement nearest the transcript's 3' end. VCF-style (leftmost placement, unchanged base first): chr11-108247006-TATATG-T. GRCh37 (hg19) VCF-style: chr11-108117733-TATATG-T.
Other names: c.947_951delATGAT (NM_000051.3); c.947_951del, p.Tyr316fs (NM_001351834.2); short protein forms Y316fs.
Identifiers: ClinVar variation 583404 (VCV000583404.6), dbSNP rs1565375055, ClinGen allele CA891842902.